The following is an entry in ClinVar:

NM_002499.4(NEO1):c.2935C>G (p.Pro979Ala)

Gene: NEO1 (neogenin 1; plus strand). Cytogenetic location: 15q24.1.
Variant type: single nucleotide variant.
Coding change: c.2935C>G on transcript NM_002499.4 (MANE Select); coding-DNA position 2935, C replaced by G.
Protein change: p.Pro979Ala; replaces proline 979 with alanine.
Molecular consequence: missense variant.
Genome position (GRCh38, 1-based): chr15:73,272,532, C>G. VCF-style: chr15-73272532-C-G. GRCh37 (hg19) VCF-style: chr15-73564873-C-G.
Other names: c.2935C>G, p.Pro979Ala (NM_001172623.2, NM_001172624.2); short protein forms P979A.
Identifiers: ClinVar variation 100841 (VCV000100841.3), dbSNP rs483352721, ClinGen allele CA229107.
Genomic context (GRCh38, chr15:73,272,532, plus strand): 5'-AAGGATGTGACTGTTGTGAGTAAAGAGGGGAAACCTAAGACCATAATTGTGAATTGGCAG[C>G]CTCCCTCCGAAGCCAATGGCAAAATTACAGGTAAAATGCAATCAAGTGTGCATTTCTTTG-3'
Protein context (NP_002490.2, residues 969-989): KPKTIIVNWQ[Pro979Ala]PSEANGKITG

ClinVar aggregate classification (germline): Uncertain significance. Review status: no assertion criteria provided (0 of 4 stars). 2 submissions from 1 submitter: Uncertain significance (1). 1 of the submissions does not count toward it.

Submissions (2):

Richard Lifton Laboratory, Yale University School of Medicine
Classification: Uncertain significance. Review status: no assertion criteria provided. Collection method: not provided. Allele origin: somatic.
Comment: NEO1:p.P979A
ClinVar note: Converted during submission from unknown to Uncertain significance.

Richard Lifton Laboratory, Yale University School of Medicine
Classification: Likely pathogenic. Review status: flagged submission. Collection method: not provided. Allele origin: somatic. Not counted in ClinVar's aggregate classification.
ClinVar note: Converted during submission from probable-pathogenic to Likely pathogenic.
ClinVar note: Reason: This record appears to be redundant with a more recent record from the same submitter.
ClinVar note: Notes: SCV000120065 appears to be redundant with SCV000155168.